The following is an entry in ClinVar:

NM_006904.7(PRKDC):c.6411A>G (p.Ile2137Met)

Gene: PRKDC (protein kinase, DNA-activated, catalytic subunit; minus strand). Cytogenetic location: 8q11.21.
Variant type: single nucleotide variant.
Coding change: c.6411A>G on transcript NM_006904.7 (MANE Select); coding-DNA position 6411, A replaced by G.
Protein change: p.Ile2137Met; replaces isoleucine 2137 with methionine.
Molecular consequence: missense variant.
Genome position (GRCh38, 1-based): chr8:47,858,570, T>C on the plus strand (A>G on the coding strand, the complement: PRKDC is on the minus strand). VCF-style: chr8-47858570-T-C. GRCh37 (hg19) VCF-style: chr8-48771131-T-C.
Other names: c.6411A>G, p.Ile2137Met (NM_001081640.2); short protein forms I2137M.
Identifiers: ClinVar variation 656051 (VCV000656051.6), dbSNP rs192137701, ClinGen allele CA4740356.

ClinVar aggregate classification (germline): Uncertain significance (1 of 4 stars; one submission).

Conditions:
Severe combined immunodeficiency due to DNA-PKcs deficiency. Also called: IMMUNODEFICIENCY 26 WITH NEUROLOGIC ABNORMALITIES; Immunodeficiency 26 with or without neurologic abnormalities. Identifiers: Orphanet 317425, MedGen C4014833, MONDO:0014423, OMIM 615966.

Allele frequency attached by ClinVar (database versions not stated): TOPMed 0.00006; gnomAD 0.00008; gnomAD exomes 0.00011 and 0.00019; 1000 Genomes Project 30x 0.00016; ExAC 0.00017; 1000 Genomes Project 0.00020.
gnomAD v4.1: 280 of 1,557,756 alleles (0.018%); highest among the groups gnomAD compares: Non-Finnish European, 0.023%; no homozygotes.

Submission:

Labcorp Genetics (formerly Invitae), Labcorp
Classification: Uncertain significance for Severe combined immunodeficiency due to DNA-PKcs deficiency. Last evaluated: 2022-08-19. Review status: criteria provided, single submitter. Criteria: Invitae Variant Classification Sherloc (09022015). Collection method: clinical testing. Allele origin: germline.
Comment: This sequence change replaces isoleucine, which is neutral and non-polar, with methionine, which is neutral and non-polar, at codon 2137 of the PRKDC protein (p.Ile2137Met). This variant is present in population databases (rs192137701, gnomAD 0.02%). This variant has not been reported in the literature in individuals affected with PRKDC-related conditions. ClinVar contains an entry for this variant (Variation ID: 656051). Experimental studies and prediction algorithms are not available or were not evaluated, and the functional significance of this variant is currently unknown. In summary, the available evidence is currently insufficient to determine the role of this variant in disease. Therefore, it has been classified as a Variant of Uncertain Significance.